The following is an entry in ClinVar:

ClinVar aggregate classification (germline): Uncertain significance. Review status: criteria provided, multiple submitters, no conflicts (2 of 4 stars). 2 submissions from 2 submitters: Uncertain significance (2). Last evaluated 2026-07-20.

Conditions:
PCNT-related disorder. Also called: PCNT-related condition.

Allele frequency attached by ClinVar (database versions not stated): gnomAD 0.00002.

Submissions (2):

PreventionGenetics, part of Exact Sciences
Classification: Uncertain significance for PCNT-related condition. Last evaluated: 2026-07-20. Review status: criteria provided, single submitter. Criteria: ACMG Guidelines, 2015. Collection method: clinical testing. Allele origin: germline.
Comment: The PCNT c.2602C>T variant is predicted to result in the amino acid substitution p.Arg868Trp. To our knowledge, this variant has not been reported in the literature. This variant is reported in 0.0056% of alleles in individuals of East Asian descent in gnomAD. At this time, the clinical significance of this variant is uncertain due to the absence of conclusive functional and genetic evidence.

Genetic Services Laboratory, University of Chicago
Classification: Uncertain significance. Last evaluated: 2019-07-26. Review status: criteria provided, single submitter. Criteria: ACMG Guidelines, 2015. Collection method: clinical testing. Allele origin: germline. Affected: no.

NM_006031.6(PCNT):c.2602C>T (p.Arg868Trp)

Gene: PCNT (pericentrin; plus strand). Cytogenetic location: 21q22.3.
Variant type: single nucleotide variant.
Coding change: c.2602C>T on transcript NM_006031.6 (MANE Select); coding-DNA position 2602, C replaced by T.
Protein change: p.Arg868Trp; replaces arginine 868 with tryptophan.
Molecular consequence: missense variant.
Genome position (GRCh38, 1-based): chr21:46,363,927, C>T. VCF-style: chr21-46363927-C-T. GRCh37 (hg19) VCF-style: chr21-47783842-C-T.
Other names: c.2248C>T, p.Arg750Trp (NM_001315529.2); short protein forms R750W, R868W.
Identifiers: ClinVar variation 1336443 (VCV001336443.7), dbSNP rs775482294, ClinGen allele CA10079024.